The following is an entry in ClinVar:

NM_001267550.2(TTN):c.2494-5T>C

Gene: TTN (titin; minus strand). Cytogenetic location: 2q31.2.
Variant type: single nucleotide variant.
Coding change: c.2494-5T>C on transcript NM_001267550.2 (MANE Select); 5 bases into the intron before coding-DNA position 2494, T replaced by C.
Molecular consequence: intron variant.
Genome position (GRCh38, 1-based): chr2:178,784,356, A>G on the plus strand (T>C on the coding strand, the complement: TTN is on the minus strand). VCF-style: chr2-178784356-A-G. GRCh37 (hg19) VCF-style: chr2-179649083-A-G.
Other names: c.2494-5T>C (NM_133378.4, NM_001256850.1, NM_133379.5); c.2356-5T>C (NM_003319.4, NM_133437.4, NM_133432.3).
Identifiers: ClinVar variation 466937 (VCV000466937.17), dbSNP rs370759512, ClinGen allele CA2005798.

ClinVar aggregate classification (germline): Conflicting classifications of pathogenicity. Review status: criteria provided, conflicting classifications (1 of 4 stars). 8 submissions from 4 submitters: Uncertain significance (6); Likely benign (2). Last evaluated 2026-08-25.

Conditions:
Autosomal recessive limb-girdle muscular dystrophy type 2J (LGMDR10). Also called: Limb-girdle muscular dystrophy, type 2J; MUSCULAR DYSTROPHY, LIMB-GIRDLE, AUTOSOMAL RECESSIVE 10. Identifiers: Orphanet 140922, MedGen C1837342, MONDO:0012127, OMIM 608807.
Dilated cardiomyopathy 1G (CMD1G). Identifiers: Orphanet 154, MedGen C1858763, MONDO:0011400, OMIM 604145.
TTN-related disorder. Also called: TTN-related condition; TTN-related disease; TTN-related disorders.
Myopathy, myofibrillar, 9, with early respiratory failure (MFM9). Also called: Hereditary myopathy with early respiratory failure; MYOPATHY, PROXIMAL, WITH EARLY RESPIRATORY MUSCLE INVOLVEMENT; EDSTROM MYOPATHY; Myopathy, distal, with early respiratory failure, autosomal dominant. Identifiers: Orphanet 178464, Orphanet 34521, MedGen C1863599, MONDO:0011362, OMIM 603689.
Tibial muscular dystrophy (TMD). Also called: Udd Distal Myopathy – Tibial Muscular Dystrophy; UDD MYOPATHY; Tibial muscular dystrophy, tardive. Identifiers: Orphanet 609, MedGen C1838244, MONDO:0010870, OMIM 600334.
Early-onset myopathy with fatal cardiomyopathy (CMYO5). Also called: Salih Myopathy; CONGENITAL MYOPATHY 5 WITH CARDIOMYOPATHY. Identifiers: Orphanet 289377, MedGen C2673677, MONDO:0012714, OMIM 611705. Disease mechanism: loss of function.

Allele frequency attached by ClinVar (database versions not stated): ExAC 0.00001; gnomAD 0.00001; gnomAD exomes 0.00001; TOPMed 0.00001; ESP Exome Variant Server 0.00008.
gnomAD v4.1: 18 of 1,613,860 alleles (0.0011%); highest among the groups gnomAD compares: Admixed American, 0.0017%; no homozygotes.

Submissions (8):

PreventionGenetics, part of Exact Sciences
Classification: Likely benign for TTN-related condition. Last evaluated: 2026-08-25. Review status: criteria provided, single submitter. Criteria: ACMG Guidelines, 2015. Collection method: clinical testing. Allele origin: germline.
Comment: This variant is classified as likely benign based on ACMG/AMP sequence variant interpretation guidelines (Richards et al. 2015 PMID: 25741868, with internal and published modifications).

Labcorp Genetics (formerly Invitae), Labcorp
Classification: Likely benign for Dilated cardiomyopathy 1G; Autosomal recessive limb-girdle muscular dystrophy type 2J. Last evaluated: 2025-02-26. Review status: criteria provided, single submitter. Criteria: Invitae Variant Classification Sherloc (09022015). Collection method: clinical testing. Allele origin: germline.

Illumina Laboratory Services, Illumina
Classification: Uncertain significance for Myopathy, myofibrillar, 9, with early respiratory failure. Last evaluated: 2018-01-13. Review status: criteria provided, single submitter. Criteria: ICSL Variant Classification Criteria 13 December 2019. Collection method: clinical testing. Allele origin: germline.

Illumina Laboratory Services, Illumina
Classification: Uncertain significance for Autosomal recessive limb-girdle muscular dystrophy type 2J. Last evaluated: 2018-01-13. Review status: criteria provided, single submitter. Criteria: ICSL Variant Classification Criteria 13 December 2019. Collection method: clinical testing. Allele origin: germline.

Illumina Laboratory Services, Illumina
Classification: Uncertain significance for Tibial muscular dystrophy. Last evaluated: 2018-01-13. Review status: criteria provided, single submitter. Criteria: ICSL Variant Classification Criteria 13 December 2019. Collection method: clinical testing. Allele origin: germline.

Illumina Laboratory Services, Illumina
Classification: Uncertain significance for Early-onset myopathy with fatal cardiomyopathy. Last evaluated: 2018-01-13. Review status: criteria provided, single submitter. Criteria: ICSL Variant Classification Criteria 13 December 2019. Collection method: clinical testing. Allele origin: germline.

Illumina Laboratory Services, Illumina
Classification: Uncertain significance for Dilated cardiomyopathy 1G. Last evaluated: 2018-01-13. Review status: criteria provided, single submitter. Criteria: ICSL Variant Classification Criteria 13 December 2019. Collection method: clinical testing. Allele origin: germline.

Eurofins Ntd Llc (ga)
Classification: Uncertain significance. Last evaluated: 2017-12-14. Review status: criteria provided, single submitter. Criteria: EGL Classification Definitions 2015. Collection method: clinical testing. Allele origin: germline. Observed: 1 variant allele, 1 heterozygote.